The following is an entry in ClinVar:

NM_014000.3(VCL):c.565G>C (p.Val189Leu)

Gene: VCL (vinculin; plus strand). Cytogenetic location: 10q22.2.
Variant type: single nucleotide variant.
Coding change: c.565G>C on transcript NM_014000.3 (MANE Select); coding-DNA position 565, G replaced by C.
Protein change: p.Val189Leu; replaces valine 189 with leucine.
Molecular consequence: missense variant.
Genome position (GRCh38, 1-based): chr10:74,072,795, G>C. VCF-style: chr10-74072795-G-C. GRCh37 (hg19) VCF-style: chr10-75832553-G-C.
Other names: c.565G>C, p.Val189Leu (NM_003373.4); short protein forms V189L.
Identifiers: ClinVar variation 45616 (VCV000045616.13), dbSNP rs151045204, ClinGen allele CA136796.

ClinVar aggregate classification (germline): Uncertain significance. Review status: criteria provided, multiple submitters, no conflicts (2 of 4 stars). 2 submissions from 2 submitters: Uncertain significance (2). Last evaluated 2023-03-09.

Conditions:
Dilated cardiomyopathy 1W (CMD1W). Identifiers: Orphanet 154, MedGen C1969639, MONDO:0012667, OMIM 611407.

Allele frequency attached by ClinVar (database versions not stated): TOPMed 0.00001.
gnomAD v4.1: 4 of 1,614,064 alleles (0.00025%); highest among the groups gnomAD compares: African/African-American, 0.0027%; no homozygotes.

Submissions (2):

Labcorp Genetics (formerly Invitae), Labcorp
Classification: Uncertain significance for Dilated cardiomyopathy 1W. Last evaluated: 2023-03-09. Review status: criteria provided, single submitter. Criteria: Invitae Variant Classification Sherloc (09022015). Collection method: clinical testing. Allele origin: germline.
Comment: In summary, the available evidence is currently insufficient to determine the role of this variant in disease. Therefore, it has been classified as a Variant of Uncertain Significance. An algorithm developed to predict the effect of missense changes on protein structure and function (PolyPhen-2) suggests that this variant is likely to be tolerated. ClinVar contains an entry for this variant (Variation ID: 45616). This variant has not been reported in the literature in individuals affected with VCL-related conditions. This variant is present in population databases (rs151045204, gnomAD 0.004%). This sequence change replaces valine, which is neutral and non-polar, with leucine, which is neutral and non-polar, at codon 189 of the VCL protein (p.Val189Leu).

Laboratory for Molecular Medicine, Mass General Brigham Personalized Medicine
Classification: Uncertain significance. Last evaluated: 2012-09-10. Review status: criteria provided, single submitter. Criteria: LMM Criteria. Collection method: clinical testing. Allele origin: germline. Observed: 1 variant allele.
Comment: The Val189Leu variant in VCL has not been reported in the literature nor previou sly identified by our laboratory. Computational analyses (biochemical amino acid properties, conservation, AlignGVGD, and SIFT) suggest that the variant may not impact the protein, though this information is not predictive enough to rule ou t pathogenicity. Additional information is needed to fully assess the clinical s ignificance of this variant.